The following is an entry in ClinVar:

NM_152594.3(SPRED1):c.196A>G (p.Arg66Gly)

Gene: SPRED1 (sprouty related EVH1 domain containing 1; plus strand). Cytogenetic location: 15q14.
Variant type: single nucleotide variant.
Coding change: c.196A>G on transcript NM_152594.3 (MANE Select); coding-DNA position 196, A replaced by G.
Protein change: p.Arg66Gly; replaces arginine 66 with glycine.
Molecular consequence: missense variant.
Genome position (GRCh38, 1-based): chr15:38,299,536, A>G. VCF-style: chr15-38299536-A-G. GRCh37 (hg19) VCF-style: chr15-38591737-A-G.
Other names: short protein forms R66G.
Identifiers: ClinVar variation 5030111 (VCV005030111.1).

ClinVar aggregate classification (germline): Uncertain significance (1 of 4 stars; one submission).

Conditions:
Cardiovascular phenotype. Identifiers: MedGen CN230736.

Submission:

Ambry Genetics
Classification: Uncertain significance for Cardiovascular phenotype. Last evaluated: 2026-07-08. Review status: criteria provided, single submitter. Criteria: Ambry Variant Classification Scheme 2023. Collection method: clinical testing. Allele origin: germline.
Comment: The p.R66G variant (also known as c.196A>G), located in coding exon 2 of the SPRED1 gene, results from an A to G substitution at nucleotide position 196. The arginine at codon 66 is replaced by glycine, an amino acid with dissimilar properties. This amino acid position is conserved. In addition, the in silico prediction for this alteration is inconclusive. Based on the available evidence, the clinical significance of this variant remains unclear.